The following is an entry in ClinVar:

ClinVar aggregate classification (germline): Uncertain significance. Review status: criteria provided, multiple submitters, no conflicts (2 of 4 stars). 4 submissions from 4 submitters: Uncertain significance (4). Last evaluated 2026-03-05.

Conditions:
PDE6C-related disorder. Also called: PDE6C-related condition.
Inborn genetic diseases. Identifiers: MedGen C0950123, MeSH D030342.

Allele frequency attached by ClinVar (database versions not stated): gnomAD exomes 0.00006 and 0.00009; ExAC 0.00007; gnomAD 0.00009 and 0.00021; ESP Exome Variant Server 0.00023; TOPMed 0.00025.
gnomAD v4.1: 123 of 1,609,710 alleles (0.0076%); highest among the groups gnomAD compares: Middle Eastern, 0.016%; no homozygotes.

Submissions (4):

PreventionGenetics, part of Exact Sciences
Classification: Uncertain significance for PDE6C-related condition. Last evaluated: 2026-03-05. Review status: criteria provided, single submitter. Criteria: ACMG Guidelines, 2015. Collection method: clinical testing. Allele origin: germline.
Comment: The PDE6C c.1885A>G variant is predicted to result in the amino acid substitution p.Ile629Val. To our knowledge, this variant has not been reported in the literature. This variant is reported in 0.016% of alleles in individuals of European (Non-Finnish) descent in gnomAD. At this time, the clinical significance of this variant is uncertain due to the absence of conclusive functional and genetic evidence.

Labcorp Genetics (formerly Invitae), Labcorp
Classification: Uncertain significance. Last evaluated: 2025-05-05. Review status: criteria provided, single submitter. Criteria: Invitae Variant Classification Sherloc (09022015). Collection method: clinical testing. Allele origin: germline.
Comment: This sequence change replaces isoleucine, which is neutral and non-polar, with valine, which is neutral and non-polar, at codon 629 of the PDE6C protein (p.Ile629Val). This variant is present in population databases (rs140801294, gnomAD 0.01%). This variant has not been reported in the literature in individuals affected with PDE6C-related conditions. ClinVar contains an entry for this variant (Variation ID: 1361842). Invitae Evidence Modeling of protein sequence and biophysical properties (such as structural, functional, and spatial information, amino acid conservation, physicochemical variation, residue mobility, and thermodynamic stability) indicates that this missense variant is not expected to disrupt PDE6C protein function with a negative predictive value of 80%. In summary, the available evidence is currently insufficient to determine the role of this variant in disease. Therefore, it has been classified as a Variant of Uncertain Significance.

Ambry Genetics
Classification: Uncertain significance for Inborn genetic diseases. Last evaluated: 2024-11-20. Review status: criteria provided, single submitter. Criteria: Ambry Variant Classification Scheme 2023. Collection method: clinical testing. Allele origin: germline.

Blueprint Genetics
Classification: Uncertain significance. Last evaluated: 2024-06-13. Review status: criteria provided, single submitter. Criteria: ACMG Guidelines, 2015. Collection method: clinical testing. Allele origin: germline.

NM_006204.4(PDE6C):c.1885A>G (p.Ile629Val)

Gene: PDE6C (phosphodiesterase 6C; plus strand). Cytogenetic location: 10q23.33.
Variant type: single nucleotide variant.
Coding change: c.1885A>G on transcript NM_006204.4 (MANE Select); coding-DNA position 1885, A replaced by G.
Protein change: p.Ile629Val; replaces isoleucine 629 with valine.
Molecular consequence: missense variant.
Genome position (GRCh38, 1-based): chr10:93,645,997, A>G. VCF-style: chr10-93645997-A-G. GRCh37 (hg19) VCF-style: chr10-95405754-A-G.
Other names: c.1885A>G (NM_006204.3); short protein forms I629V.
Identifiers: ClinVar variation 1361842 (VCV001361842.8), dbSNP rs140801294, ClinGen allele CA5610329.
Genomic context (GRCh38, chr10:93,645,997, plus strand): 5'-ATGGCATGTTGTTTTCCTTCTAGATCCACGTCTCCATTAGCAAGACTTCATGGTTCTTCT[A>G]TTTTGGAGAGGCACCACCTGGAGTACAGTAAGACTCTGTTGCAGGATGAGGTACGTAAAC-3'
Protein context (NP_006195.3, residues 619-639): SPLARLHGSS[Ile629Val]LERHHLEYSK